The following is an entry in ClinVar:

ClinVar aggregate classification (germline): Uncertain significance (1 of 4 stars; one submission).

Allele frequency attached by ClinVar (database versions not stated): TOPMed 0.00015; ESP Exome Variant Server 0.00031.
gnomAD v4.1: 37 of 1,612,366 alleles (0.0023%); highest among the groups gnomAD compares: African/African-American, 0.041%; no homozygotes.

Submission:

GeneDx
Classification: Uncertain significance. Last evaluated: 2024-11-26. Review status: criteria provided, single submitter. Criteria: GeneDx Variant Classification Process June 2021. Collection method: clinical testing. Allele origin: germline.
Comment: In silico analysis supports that this missense variant has a deleterious effect on protein structure/function; Has not been previously published as pathogenic or benign to our knowledge

NM_014149.4(WDR91):c.65C>T (p.Thr22Met)

Genes: WDR91 (WD repeat domain 91; minus strand), LOC129999422 (ATAC-STARR-seq lymphoblastoid silent region 18678; plus strand). Cytogenetic location: 7q33.
Variant type: single nucleotide variant.
Coding change: c.65C>T on transcript NM_014149.4 (MANE Select); coding-DNA position 65, C replaced by T.
Protein change: p.Thr22Met; replaces threonine 22 with methionine.
Molecular consequence: missense variant. On other transcripts: 5 prime UTR variant (1), non-coding transcript variant (2).
Genome position (GRCh38, 1-based): chr7:135,211,438, G>A on the plus strand (C>T on the coding strand, the complement: WDR91 is on the minus strand). VCF-style: chr7-135211438-G-A. GRCh37 (hg19) VCF-style: chr7-134896190-G-A.
Other names: c.65C>T, p.Thr22Met (NM_001362736.2, NM_001362737.2); c.-697C>T (NM_001362738.2); short protein forms T22M.
Identifiers: ClinVar variation 2504879 (VCV002504879.2), dbSNP rs142902910, ClinGen allele CA4496836.